The following is an entry in ClinVar:

NM_005869.4(CWC27):c.973C>T (p.Arg325Trp)

Gene: CWC27 (CWC27 spliceosome associated cyclophilin; plus strand). Cytogenetic location: 5q12.3.
Variant type: single nucleotide variant.
Coding change: c.973C>T on transcript NM_005869.4 (MANE Select); coding-DNA position 973, C replaced by T.
Protein change: p.Arg325Trp; replaces arginine 325 with tryptophan.
Molecular consequence: missense variant.
Genome position (GRCh38, 1-based): chr5:64,885,477, C>T. VCF-style: chr5-64885477-C-T. GRCh37 (hg19) VCF-style: chr5-64181304-C-T.
Other names: c.973C>T, p.Arg325Trp (NM_001297644.1, NM_001364478.1); c.973C>T (NM_005869.2); short protein forms R325W.
Identifiers: ClinVar variation 850022 (VCV000850022.7), dbSNP rs763896931, ClinGen allele CA3282172.

ClinVar aggregate classification (germline): Uncertain significance. Review status: criteria provided, multiple submitters, no conflicts (2 of 4 stars). 3 submissions from 3 submitters: Uncertain significance (3). Last evaluated 2024-10-16.

Conditions:
Inborn genetic diseases. Identifiers: MedGen C0950123, MeSH D030342.

Allele frequency attached by ClinVar (database versions not stated): gnomAD exomes 0.00004; ExAC 0.00007; gnomAD 0.00007 and 0.00008; TOPMed 0.00025.
gnomAD v4.1: 98 of 1,609,202 alleles (0.0061%); highest among the groups gnomAD compares: Admixed American, 0.024%; no homozygotes.

Submissions (3):

Blueprint Genetics
Classification: Uncertain significance. Last evaluated: 2024-10-16. Review status: criteria provided, single submitter. Criteria: ACMG Guidelines, 2015. Collection method: clinical testing. Allele origin: germline.

Ambry Genetics
Classification: Uncertain significance for Inborn genetic diseases. Last evaluated: 2024-06-07. Review status: criteria provided, single submitter. Criteria: Ambry Variant Classification Scheme 2023. Collection method: clinical testing. Allele origin: germline.

Labcorp Genetics (formerly Invitae), Labcorp
Classification: Uncertain significance. Last evaluated: 2022-07-19. Review status: criteria provided, single submitter. Criteria: Invitae Variant Classification Sherloc (09022015). Collection method: clinical testing. Allele origin: germline.
Comment: This sequence change replaces arginine, which is basic and polar, with tryptophan, which is neutral and slightly polar, at codon 325 of the CWC27 protein (p.Arg325Trp). This variant is present in population databases (rs763896931, gnomAD 0.01%). This variant has not been reported in the literature in individuals affected with CWC27-related conditions. ClinVar contains an entry for this variant (Variation ID: 850022). Algorithms developed to predict the effect of missense changes on protein structure and function are either unavailable or do not agree on the potential impact of this missense change (SIFT: "Deleterious"; PolyPhen-2: "Probably Damaging"; Align-GVGD: "Class C0"). In summary, the available evidence is currently insufficient to determine the role of this variant in disease. Therefore, it has been classified as a Variant of Uncertain Significance.